The following is an entry in ClinVar:

NM_001029896.2(WDR45):c.893C>T (p.Ala298Val)

Gene: WDR45 (WD repeat domain 45; minus strand). Cytogenetic location: Xp11.23.
Variant type: single nucleotide variant.
Coding change: c.893C>T on transcript NM_001029896.2 (MANE Select); coding-DNA position 893, C replaced by T.
Protein change: p.Ala298Val; replaces alanine 298 with valine.
Molecular consequence: missense variant.
Genome position (GRCh38, 1-based): chrX:49,075,216, G>A on the plus strand (C>T on the coding strand, the complement: WDR45 is on the minus strand). VCF-style: chrX-49075216-G-A. GRCh37 (hg19) VCF-style: chrX-48932875-G-A.
Other names: c.896C>T, p.Ala299Val (NM_007075.4); short protein forms A298V, A299V.
Identifiers: ClinVar variation 1721041 (VCV001721041.6), dbSNP rs2065029228, ClinGen allele CA412942169.
Genomic context (GRCh38, chrX:49,075,216, plus strand): 5'-TTGGAAGTATTGCGACCGAAGGCGCAGATGCAAGCTGACTCAGCAGGCACAGTGAAGCTC[G>A]CCAGGCTCCACTGAGAGTCCACGTACTGCCCAATCATAGGCCCCACCTTGCCCACGCGAG-3'
Protein context (NP_001025067.1, residues 288-308): GQYVDSQWSL[Ala298Val]SFTVPAESAC

ClinVar aggregate classification (germline): Uncertain significance (1 of 4 stars; one submission).

Conditions:
Neurodegeneration with brain iron accumulation 5 (NBIA5). Also called: Beta-propeller protein-associated neurodegeneration; STATIC ENCEPHALOPATHY OF CHILDHOOD WITH NEURODEGENERATION IN ADULTHOOD. Identifiers: Orphanet 329284, MedGen C3550973, MONDO:0010476, OMIM 300894.

Allele frequency attached by ClinVar (database versions not stated): gnomAD exomes below 0.00001; TOPMed below 0.00001.
gnomAD v4.1: 1 of 1,212,076 alleles (0.000083%); highest among the groups gnomAD compares: Non-Finnish European, 0.00011%; no homozygotes.

Submissions (2):

Labcorp Genetics (formerly Invitae), Labcorp
Classification: Uncertain significance for Neurodegeneration with brain iron accumulation 5. Last evaluated: 2022-10-05. Review status: criteria provided, single submitter. Criteria: Invitae Variant Classification Sherloc (09022015). Collection method: clinical testing. Allele origin: germline.
Comment: In summary, the available evidence is currently insufficient to determine the role of this variant in disease. Therefore, it has been classified as a Variant of Uncertain Significance. Algorithms developed to predict the effect of sequence changes on RNA splicing suggest that this variant may create or strengthen a splice site. Algorithms developed to predict the effect of missense changes on protein structure and function (SIFT, PolyPhen-2, Align-GVGD) all suggest that this variant is likely to be tolerated. This variant has not been reported in the literature in individuals affected with WDR45-related conditions. This variant is not present in population databases (gnomAD no frequency). This sequence change replaces alanine, which is neutral and non-polar, with valine, which is neutral and non-polar, at codon 299 of the WDR45 protein (p.Ala299Val).

Dr. Peter K. Rogan Lab, Western University
No classification provided (evidence only). Condition: Thyroid cancer, nonmedullary, 1. Review status: no classification provided. Collection method: in vitro. Allele origin: not applicable. Functional consequence: skipped exon. Not counted in ClinVar's aggregate classification.